The following is an entry in ClinVar:

ClinVar aggregate classification (germline): Uncertain significance. Review status: criteria provided, multiple submitters, no conflicts (2 of 4 stars). 2 submissions from 2 submitters: Uncertain significance (2). Last evaluated 2025-08-13.

Conditions:
Inborn genetic diseases. Identifiers: MedGen C0950123, MeSH D030342.

Allele frequency attached by ClinVar (database versions not stated): TOPMed below 0.00001; ExAC 0.00001; gnomAD 0.00001; gnomAD exomes 0.00001.
gnomAD v4.1: 12 of 1,614,066 alleles (0.00074%); highest among the groups gnomAD compares: Admixed American, 0.0017%; no homozygotes.

Submissions (2):

Ambry Genetics
Classification: Uncertain significance for Inborn genetic diseases. Last evaluated: 2025-08-13. Review status: criteria provided, single submitter. Criteria: Ambry Variant Classification Scheme 2023. Collection method: clinical testing. Allele origin: germline.

Labcorp Genetics (formerly Invitae), Labcorp
Classification: Uncertain significance. Last evaluated: 2022-11-22. Review status: criteria provided, single submitter. Criteria: Invitae Variant Classification Sherloc (09022015). Collection method: clinical testing. Allele origin: germline.
Comment: This sequence change replaces arginine, which is basic and polar, with cysteine, which is neutral and slightly polar, at codon 968 of the SRCAP protein (p.Arg968Cys). This variant is present in population databases (rs776006475, gnomAD 0.003%). This variant has not been reported in the literature in individuals affected with SRCAP-related conditions. ClinVar contains an entry for this variant (Variation ID: 1361261). Advanced modeling of protein sequence and biophysical properties (such as structural, functional, and spatial information, amino acid conservation, physicochemical variation, residue mobility, and thermodynamic stability) performed at Invitae indicates that this missense variant is not expected to disrupt SRCAP protein function. In summary, the available evidence is currently insufficient to determine the role of this variant in disease. Therefore, it has been classified as a Variant of Uncertain Significance.

NM_006662.3(SRCAP):c.2902C>T (p.Arg968Cys)

Gene: SRCAP (Snf2 related CREBBP activator protein; plus strand). Cytogenetic location: 16p11.2.
Variant type: single nucleotide variant.
Coding change: c.2902C>T on transcript NM_006662.3 (MANE Select); coding-DNA position 2902, C replaced by T.
Protein change: p.Arg968Cys; replaces arginine 968 with cysteine.
Molecular consequence: missense variant.
Genome position (GRCh38, 1-based): chr16:30,720,246, C>T. VCF-style: chr16-30720246-C-T. GRCh37 (hg19) VCF-style: chr16-30731567-C-T.
Other names: c.2902C>T (NM_006662.2); short protein forms R968C.
Identifiers: ClinVar variation 1361261 (VCV001361261.7), dbSNP rs776006475, ClinGen allele CA8011346.